The following is an entry in ClinVar:

NM_001042492.3(NF1):c.3560T>G (p.Leu1187Arg)

Gene: NF1 (neurofibromin 1; plus strand). Cytogenetic location: 17q11.2.
Variant type: single nucleotide variant.
Coding change: c.3560T>G on transcript NM_001042492.3 (MANE Select); coding-DNA position 3560, T replaced by G.
Protein change: p.Leu1187Arg; replaces leucine 1187 with arginine.
Molecular consequence: missense variant.
Genome position (GRCh38, 1-based): chr17:31,233,065, T>G. VCF-style: chr17-31233065-T-G. GRCh37 (hg19) VCF-style: chr17-29560083-T-G.
Other names: c.3560T>G, p.Leu1187Arg (NM_000267.4); short protein forms L1187R.
Identifiers: ClinVar variation 1477040 (VCV001477040.7), dbSNP rs2151435424, ClinGen allele CA398990049.

ClinVar aggregate classification (germline): Likely pathogenic. Review status: criteria provided, multiple submitters, no conflicts (2 of 4 stars). 2 submissions from 2 submitters: Likely pathogenic (2). Last evaluated 2024-12-04.

Conditions:
Cardiovascular phenotype. Identifiers: MedGen CN230736.
Hereditary cancer-predisposing syndrome. Also called: Hereditary neoplastic syndrome; Tumor predisposition; Neoplastic Syndromes, Hereditary; Hereditary Cancer Syndrome. Identifiers: Orphanet 140162, MedGen C0027672, MeSH D009386, MONDO:0015356.
Neurofibromatosis, type 1 (NF1). Also called: Neurofibromatosis, type I; VON RECKLINGHAUSEN DISEASE; NEUROFIBROMATOSIS, TYPE I, SOMATIC; Peripheral type neurofibromatosis. Identifiers: Orphanet 636, MedGen C0027831, MONDO:0018975, OMIM 162200. Disease mechanism: loss of function.

Submissions (2):

Ambry Genetics
Classification: Likely pathogenic for Cardiovascular phenotype; Hereditary cancer-predisposing syndrome. Last evaluated: 2024-12-04. Review status: criteria provided, single submitter. Criteria: Ambry Variant Classification Scheme 2023. Collection method: clinical testing. Allele origin: germline.
Comment: The p.L1187R variant (also known as c.3560T>G), located in coding exon 27 of the NF1 gene, results from a T to G substitution at nucleotide position 3560. The leucine at codon 1187 is replaced by arginine, an amino acid with dissimilar properties. This variant was reported in individual(s) with features consistent with neurofibromatosis type1 (Alankarage D et al. Genet Med, 2019 May;21:1111-1120; Castellanos E et al. Clin Genet, 2020 Feb;97:264-275; external communications; Ambry internal data). This amino acid position is highly conserved in available vertebrate species. In addition, this alteration is predicted to be deleterious by in silico analysis. This variant is considered to be rare based on population cohorts in the Genome Aggregation Database (gnomAD). Based on the majority of available evidence to date, this variant is likely to be pathogenic.

Labcorp Genetics (formerly Invitae), Labcorp
Classification: Likely pathogenic for Neurofibromatosis, type 1. Last evaluated: 2021-10-21. Review status: criteria provided, single submitter. Criteria: Invitae Variant Classification Sherloc (09022015). Collection method: clinical testing. Allele origin: germline.
Comment: This sequence change replaces leucine with arginine at codon 1187 of the NF1 protein (p.Leu1187Arg). The leucine residue is moderately conserved and there is a moderate physicochemical difference between leucine and arginine. This variant is not present in population databases (ExAC no frequency). This variant has been observed in individual(s) with clinical features of neurofibromatosis type 1 (Invitae). Advanced modeling of protein sequence and biophysical properties (such as structural, functional, and spatial information, amino acid conservation, physicochemical variation, residue mobility, and thermodynamic stability) performed at Invitae indicates that this missense variant is expected to disrupt NF1 protein function. In summary, the currently available evidence indicates that the variant is pathogenic, but additional data are needed to prove that conclusively. Therefore, this variant has been classified as Likely Pathogenic.

Literature cited by the submitters: PubMed 30293987 (cited by Ambry Genetics); PubMed 31573083 (cited by Ambry Genetics).